The following is an entry in ClinVar:

NM_001384910.1(GUCA1A):c.312C>A (p.Asn104Lys)

Genes: GUCA1A (guanylate cyclase activator 1A; plus strand), GUCA1ANB-GUCA1A (GUCA1ANB-GUCA1A readthrough; plus strand). Cytogenetic location: 6p21.1.
Variant type: single nucleotide variant.
Coding change: c.312C>A on transcript NM_001384910.1 (MANE Select); coding-DNA position 312, C replaced by A.
Protein change: p.Asn104Lys; replaces asparagine 104 with lysine.
Molecular consequence: missense variant.
Genome position (GRCh38, 1-based): chr6:42,178,390, C>A. VCF-style: chr6-42178390-C-A. GRCh37 (hg19) VCF-style: chr6-42146128-C-A.
Other names: c.312C>A, p.Asn104Lys (NM_000409.5, NM_001319061.2, NM_001319062.2); short protein forms N104K.
Identifiers: ClinVar variation 974938 (VCV000974938.8), dbSNP rs749013749, ClinGen allele CA364109226.
Genomic context (GRCh38, chr6:42,178,390, plus strand): 5'-CAAGGGGAAGGTGGAACAGAAGCTCCGCTGGTACTTCAAGCTCTATGATGTAGATGGCAA[C>A]GGCTGCATTGACCGCGATGAGCTGCTCACCATCATCCAGGTGCAGAGGGCCCGGCCAGGG-3'
Protein context (NP_001371839.1, residues 94-114): WYFKLYDVDG[Asn104Lys]GCIDRDELLT

ClinVar aggregate classification (germline): Pathogenic/Likely pathogenic. Review status: criteria provided, multiple submitters, no conflicts (2 of 4 stars). 4 submissions from 4 submitters: Pathogenic (2); Likely pathogenic (2). Last evaluated 2025-12-19.

Conditions:
Retinal dystrophy. Also called: Inherited retinal dystrophy. Identifiers: Orphanet 71862, MedGen C0854723, MeSH D058499, MONDO:0019118, HP:0000556.
Cone dystrophy 3 (COD3). Also called: RETINAL CONE DYSTROPHY. Identifiers: Orphanet 1872, MedGen C1865869, MONDO:0011193, OMIM 602093.
GUCA1A-related disorders.

Submissions (4):

Labcorp Genetics (formerly Invitae), Labcorp
Classification: Pathogenic. Last evaluated: 2025-12-19. Review status: criteria provided, single submitter. Criteria: Invitae Variant Classification Sherloc (09022015). Collection method: clinical testing. Allele origin: germline.
Comment: This sequence change replaces asparagine, which is neutral and polar, with lysine, which is basic and polar, at codon 104 of the GUCA1A protein (p.Asn104Lys). This variant is not present in population databases (gnomAD no frequency). This missense change has been observed in individuals with cone-rod dystrophy (PMID: 18706439; internal data). It has also been observed to segregate with disease in related individuals. ClinVar contains an entry for this variant (Variation ID: 974938). An algorithm developed to predict the effect of missense changes on protein structure and function (PolyPhen-2) suggests that this variant is likely to be disruptive. Experimental studies have shown that this missense change affects GUCA1A function (PMID: 18706439). For these reasons, this variant has been classified as Pathogenic.

Blueprint Genetics
Classification: Pathogenic for GUCA1A-related disorders. Last evaluated: 2022-11-02. Review status: criteria provided, single submitter. Criteria: ACMG Guidelines, 2015. Collection method: clinical testing. Allele origin: germline. Affected: yes. Observed: 2 variant alleles.

SIB Swiss Institute of Bioinformatics
Classification: Likely pathogenic for Cone dystrophy 3. Last evaluated: 2020-06-05. Review status: criteria provided, single submitter. Criteria: ACMG Guidelines, 2015. Collection method: curation. Allele origin: unknown.
Comment: This variant is interpreted as likely pathogenic for Cone dystrophy 3, autosomal dominant. The following ACMG Tag(s) were applied: Absent from controls (or at extremely low frequency if recessive) in Exome Sequencing Project, 1000 Genomes Project, or Exome Aggregation Consortium (PM2); Located in a mutational hot spot and/or critical and well-established functional domain (e.g., active site of an enzyme) without benign variation (PM1); Multiple lines of computational evidence support a deleterious effect on the gene or gene product (PP3); Well-established functional studies show a deleterious effect (PS3 downgraded to supporting).

Institute of Human Genetics, Univ. Regensburg, Univ. Regensburg
Classification: Likely pathogenic for Retinal dystrophy. Last evaluated: 2020-01-01. Review status: criteria provided, single submitter. Criteria: ACMG Guidelines, 2015. Collection method: clinical testing. Allele origin: germline. Affected: yes.

Literature cited by the submitters: PubMed 18706439 (cited by 3 submitters); PubMed 2552515 (cited by Institute of Human Genetics, Univ. Regensburg, Univ. Regensburg).